The following is an entry in ClinVar:

ClinVar aggregate classification (germline): Uncertain significance. Review status: criteria provided, multiple submitters, no conflicts (2 of 4 stars). 2 submissions from 2 submitters: Uncertain significance (2). Last evaluated 2025-06-16.

Conditions:
Developmental and epileptic encephalopathy, 2 (DEE2). Also called: INFANTILE SPASM SYNDROME, X-LINKED 2; CDKL5 deficiency disorder. Identifiers: Orphanet 1934, Orphanet 3451, Orphanet 505652, MedGen C4750718, MONDO:0010396, OMIM 300672.
Angelman syndrome-like. Identifiers: MedGen CN128785.

Allele frequency attached by ClinVar (database versions not stated): gnomAD exomes below 0.00001 and 0.00001; ExAC 0.00002; TOPMed 0.00002.
gnomAD v4.1: 2 of 1,197,089 alleles (0.00017%); highest among the groups gnomAD compares: African/African-American, 0.0035%; no homozygotes.

Submissions (2):

Labcorp Genetics (formerly Invitae), Labcorp
Classification: Uncertain significance for Developmental and epileptic encephalopathy, 2; Angelman syndrome-like. Last evaluated: 2025-06-16. Review status: criteria provided, single submitter. Criteria: Invitae Variant Classification Sherloc (09022015). Collection method: clinical testing. Allele origin: germline.
Comment: This sequence change replaces arginine, which is basic and polar, with histidine, which is basic and polar, at codon 158 of the CDKL5 protein (p.Arg158His). This variant is present in population databases (rs757402424, gnomAD 0.02%). This variant has not been reported in the literature in individuals affected with CDKL5-related conditions. ClinVar contains an entry for this variant (Variation ID: 1394855). Invitae Evidence Modeling of protein sequence and biophysical properties (such as structural, functional, and spatial information, amino acid conservation, physicochemical variation, residue mobility, and thermodynamic stability) indicates that this missense variant is expected to disrupt CDKL5 protein function with a positive predictive value of 95%. In summary, the available evidence is currently insufficient to determine the role of this variant in disease. Therefore, it has been classified as a Variant of Uncertain Significance.

Blueprint Genetics
Classification: Uncertain significance. Last evaluated: 2019-01-15. Review status: criteria provided, single submitter. Criteria: ACMG Guidelines, 2015. Collection method: clinical testing. Allele origin: germline.

NM_001323289.2(CDKL5):c.473G>A (p.Arg158His)

Gene: CDKL5 (cyclin dependent kinase like 5; plus strand). Cytogenetic location: Xp22.13.
Variant type: single nucleotide variant.
Coding change: c.473G>A on transcript NM_001323289.2 (MANE Select); coding-DNA position 473, G replaced by A.
Protein change: p.Arg158His; replaces arginine 158 with histidine.
Molecular consequence: missense variant.
Genome position (GRCh38, 1-based): chrX:18,584,272, G>A. VCF-style: chrX-18584272-G-A. GRCh37 (hg19) VCF-style: chrX-18602392-G-A.
Other names: c.473G>A, p.Arg158His (NM_001037343.2, NM_003159.3); short protein forms R158H.
Identifiers: ClinVar variation 1394855 (VCV001394855.7), dbSNP rs757402424, ClinGen allele CA10360272.